The following is an entry in ClinVar:

NM_001080477.4(TENM3):c.1229T>C (p.Ile410Thr)

Gene: TENM3 (teneurin transmembrane protein 3; plus strand). Cytogenetic location: 4q35.1.
Variant type: single nucleotide variant.
Coding change: c.1229T>C on transcript NM_001080477.4 (MANE Select); coding-DNA position 1229, T replaced by C.
Protein change: p.Ile410Thr; replaces isoleucine 410 with threonine.
Molecular consequence: missense variant.
Genome position (GRCh38, 1-based): chr4:182,673,122, T>C. VCF-style: chr4-182673122-T-C. GRCh37 (hg19) VCF-style: chr4-183594275-T-C.
Other names: c.413T>C, p.Ile138Thr (NM_001415960.1, NM_001415961.1, NM_001415962.1 and 2 more transcripts); c.950T>C, p.Ile317Thr (NM_001415966.1, NM_001415967.1, NM_001415976.1 and 1 more transcripts); c.1229T>C, p.Ile410Thr (NM_001415968.1, NM_001415969.1, NM_001415970.1 and 4 more transcripts); c.1229T>C (NM_001080477.3); short protein forms I317T, I138T, I410T.
Identifiers: ClinVar variation 2064072 (VCV002064072.5), dbSNP rs201144002, ClinGen allele CA3147626.
Genomic context (GRCh38, chr4:182,673,122, plus strand): 5'-TTGGCCGAAGAGCAATTCAAGAGATTCCTCCCGGGATCTTCTGGAGATCACAGCTCTTCA[T>C]TGATCAGCCACAGTTTCTTAAATTCAATATCTCTCTTCAGAAGGATGCATTGATTGGAGT-3'
Protein context (NP_001073946.1, residues 400-420): PGIFWRSQLF[Ile410Thr]DQPQFLKFNI

ClinVar aggregate classification (germline): Uncertain significance. Review status: criteria provided, multiple submitters, no conflicts (2 of 4 stars). 3 submissions from 3 submitters: Uncertain significance (3). Last evaluated 2025-03-07.

Conditions:
Inborn genetic diseases. Identifiers: MedGen C0950123, MeSH D030342.

Allele frequency attached by ClinVar (database versions not stated): ESP Exome Variant Server 0.00008; gnomAD exomes 0.00016; TOPMed 0.00017; gnomAD 0.00023; ExAC 0.00026.
gnomAD v4.1: 271 of 1,613,548 alleles (0.017%); highest among the groups gnomAD compares: Non-Finnish European, 0.021%; no homozygotes.

Submissions (3):

Labcorp Genetics (formerly Invitae), Labcorp
Classification: Uncertain significance. Last evaluated: 2025-03-07. Review status: criteria provided, single submitter. Criteria: Invitae Variant Classification Sherloc (09022015). Collection method: clinical testing. Allele origin: germline.
Comment: This sequence change replaces isoleucine, which is neutral and non-polar, with threonine, which is neutral and polar, at codon 410 of the TENM3 protein (p.Ile410Thr). This variant is present in population databases (rs201144002, gnomAD 0.04%). This variant has not been reported in the literature in individuals affected with TENM3-related conditions. ClinVar contains an entry for this variant (Variation ID: 2064072). Invitae Evidence Modeling of protein sequence and biophysical properties (such as structural, functional, and spatial information, amino acid conservation, physicochemical variation, residue mobility, and thermodynamic stability) has been performed for this missense variant. However, the output from this modeling did not meet the statistical confidence thresholds required to predict the impact of this variant on TENM3 protein function. In summary, the available evidence is currently insufficient to determine the role of this variant in disease. Therefore, it has been classified as a Variant of Uncertain Significance.

GeneDx
Classification: Uncertain significance. Last evaluated: 2023-03-27. Review status: criteria provided, single submitter. Criteria: GeneDx Variant Classification Process June 2021. Collection method: clinical testing. Allele origin: germline. Affected: yes.
Comment: In silico analysis supports that this missense variant has a deleterious effect on protein structure/function; Has not been previously published as pathogenic or benign to our knowledge

Ambry Genetics
Classification: Uncertain significance for Inborn genetic diseases. Last evaluated: 2021-10-22. Review status: criteria provided, single submitter. Criteria: Ambry Variant Classification Scheme 2023. Collection method: clinical testing. Allele origin: germline.